The following is an entry in ClinVar:

ClinVar aggregate classification (germline): Pathogenic (1 of 4 stars; one submission).

Conditions:
KCNQ2-Related Disorders. Also called: KCNQ2-related condition; KCNQ2-related disorder. Identifiers: MedGen CN169299.

Submission:

Greenwood Genetic Center Diagnostic Laboratories, Greenwood Genetic Center
Classification: Pathogenic for KCNQ2-related disorder. Last evaluated: 2023-03-31. Review status: criteria provided, single submitter. Criteria: ACMG Guidelines, 2015. Collection method: clinical testing. Allele origin: germline. Affected: yes.
Comment: PVS1, PM2

NM_172107.4(KCNQ2):c.2268_2271del (p.Gly757fs)

Gene: KCNQ2 (potassium voltage-gated channel subfamily Q member 2; minus strand). Cytogenetic location: 20q13.33.
Variant type: Deletion.
Coding change: c.2268_2271del on transcript NM_172107.4 (MANE Select); coding-DNA positions 2268 to 2271, 4 bases deleted (CGGG; older notation c.2268_2271delCGGG).
Protein change: p.Gly757fs; shifts the reading frame from glycine 757.
Molecular consequence: frameshift variant.
Genome position (GRCh38, 1-based): chr20:63,406,992-63,406,995, CCCG deleted on the plus strand (CGGG on the coding strand, the reverse complement: KCNQ2 is on the minus strand); deleting any 4 consecutive bases within chr20:63,406,992-63,406,997 gives the same sequence; the c. name uses the placement nearest the transcript's 3' end. VCF-style (leftmost placement, unchanged base first): chr20-63406991-CCCCG-C. GRCh37 (hg19) VCF-style: chr20-62038344-CCCCG-C.
Other names: c.2322_2325del, p.Gly775fs (NM_001382235.1); c.2184_2187del, p.Gly729fs (NM_004518.6); c.2214_2217del, p.Gly739fs (NM_172106.3); c.2175_2178del, p.Gly726fs (NM_172108.5); short protein forms G726fs, G729fs, G739fs, G757fs, G775fs.
Identifiers: ClinVar variation 2572248 (VCV002572248.1), dbSNP rs2516097737, ClinGen allele CA2580616358.